The following is an entry in ClinVar:

ClinVar aggregate classification (germline): Benign/Likely benign. Review status: criteria provided, multiple submitters, no conflicts (2 of 4 stars). 2 submissions from 2 submitters: Benign (1); Likely benign (1). Last evaluated 2024-03-28.

Conditions:
Familial adenomatous polyposis 1 (FAP1). Also called: FAMILIAL ADENOMATOUS POLYPOSIS 1, ATTENUATED; POLYPOSIS, ADENOMATOUS INTESTINAL. Identifiers: MedGen C2713442, MONDO:0021056, OMIM 175100. Disease mechanism: loss of function.

Submissions (2):

Myriad Genetics, Inc.
Classification: Benign for Familial adenomatous polyposis 1. Last evaluated: 2024-03-28. Review status: criteria provided, single submitter. Criteria: Myriad Autosomal Dominant, Autosomal Recessive and X-Linked Classification Criteria (2023). Collection method: clinical testing. Allele origin: unknown.
Comment: This variant is considered benign. This variant is a silent/synonymous amino acid change and it is not expected to impact splicing.

Labcorp Genetics (formerly Invitae), Labcorp
Classification: Likely benign for Familial adenomatous polyposis 1. Last evaluated: 2017-08-03. Review status: criteria provided, single submitter. Criteria: Invitae Variant Classification Sherloc (09022015). Collection method: clinical testing. Allele origin: germline.

NM_000038.6(APC):c.5067C>G (p.Thr1689=)

Gene: APC (APC regulator of Wnt signaling pathway; plus strand). Cytogenetic location: 5q22.2.
Variant type: single nucleotide variant.
Coding change: c.5067C>G on transcript NM_000038.6 (MANE Select); coding-DNA position 5067, C replaced by G.
Protein change: p.Thr1689=; no amino-acid change (threonine 1689 retained).
Molecular consequence: synonymous variant.
Genome position (GRCh38, 1-based): chr5:112,840,661, C>G. VCF-style: chr5-112840661-C-G. GRCh37 (hg19) VCF-style: chr5-112176358-C-G.
Other names: c.5067C>G, p.Thr1689= (NM_001127510.3, NM_001354895.2); c.5013C>G, p.Thr1671= (NM_001127511.3); c.5121C>G, p.Thr1707= (NM_001354896.2); c.5097C>G, p.Thr1699= (NM_001354897.2); c.4992C>G, p.Thr1664= (NM_001354898.2); c.4983C>G, p.Thr1661= (NM_001354899.2); c.4944C>G, p.Thr1648= (NM_001354900.2); c.4890C>G, p.Thr1630= (NM_001354901.2); and 5 more.
Identifiers: ClinVar variation 537635 (VCV000537635.11), dbSNP rs1554086427, ClinGen allele CA446209551.